The following is an entry in ClinVar:

NM_000540.3(RYR1):c.8546A>G (p.Tyr2849Cys)

Genes: RYR1 (ryanodine receptor 1; plus strand), LOC126862902 (BRD4-independent group 4 enhancer GRCh37_chr19:38995830-38997029; plus strand). Cytogenetic location: 19q13.2.
Variant type: single nucleotide variant.
Coding change: c.8546A>G on transcript NM_000540.3 (MANE Select); coding-DNA position 8546, A replaced by G.
Protein change: p.Tyr2849Cys; replaces tyrosine 2849 with cysteine.
Molecular consequence: missense variant.
Genome position (GRCh38, 1-based): chr19:38,506,307, A>G. VCF-style: chr19-38506307-A-G. GRCh37 (hg19) VCF-style: chr19-38996947-A-G.
Other names: c.8546A>G, p.Tyr2849Cys (NM_001042723.2); short protein forms Y2849C.
Identifiers: ClinVar variation 847214 (VCV000847214.11), dbSNP rs1970446266, ClinGen allele CA405679171.

ClinVar aggregate classification (germline): Uncertain significance. Review status: criteria provided, multiple submitters, no conflicts (2 of 4 stars). 5 submissions from 3 submitters: Uncertain significance (5). Last evaluated 2023-06-26.

Conditions:
RYR1-related disorder. Also called: RYR1-related disorders; RYR1-related condition. Identifiers: MedGen CN239331.
Central core myopathy (CMYO1A). Also called: CONGENITAL MYOPATHY 1A, AUTOSOMAL DOMINANT, WITH SUSCEPTIBILITY TO MALIGNANT HYPERTHERMIA; Central core disease; Myopathy, central fibrillar. Identifiers: Orphanet 597, MedGen C5830701, MONDO:0007294, OMIM 117000.
Congenital multicore myopathy with external ophthalmoplegia (CMYO1B). Also called: MULTICORE MYOPATHY; MULTIMINICORE DISEASE WITH EXTERNAL OPHTHALMOPLEGIA; Congenital myopathy 1B, autosomal recessive; Minicore myopathy; Minicore myopathy with external ophthalmoplegia. Identifiers: Orphanet 598, Orphanet 98905, MedGen C1850674, MONDO:0009712, OMIM 255320, HP:0003789.
Malignant hyperthermia, susceptibility to, 1 (MHS1). Also called: Anesthesia related hyperthermia; Malignant hyperpyrexia; Fulminating hyperpyrexia; Pharmacogenic myopathy; RYR1-Related Malignant Hyperthermia Susceptibility; Malignant hyperthermia suceptibility 1. Identifiers: Orphanet 423, MedGen C2930980, MONDO:0007783, OMIM 145600.

Allele frequency attached by ClinVar (database versions not stated): gnomAD exomes 0.00001.
gnomAD v4.1: 14 of 1,613,840 alleles (0.00087%); highest among the groups gnomAD compares: East Asian, 0.0022%; no homozygotes.

Submissions (5):

All of Us Research Program, National Institutes of Health
Classification: Uncertain significance for Malignant hyperthermia, susceptibility to, 1. Last evaluated: 2023-06-26. Review status: criteria provided, single submitter. Criteria: ACMG Guidelines, 2015. Collection method: clinical testing. Allele origin: germline. Inheritance: Autosomal dominant inheritance. Observed: 2 variant alleles, 2 heterozygotes.
Comment: This missense variant replaces tyrosine with cysteine at codon 2849 of the RYR1 protein. Computational prediction suggests that this variant may have deleterious impact on protein structure and function (internally defined REVEL score threshold >= 0.7, PMID: 27666373). To our knowledge, functional studies have not been reported for this variant. This variant has not been reported in individuals affected with RYR1-related disorders in the literature. This variant has not been identified in the general population by the Genome Aggregation Database (gnomAD). The available evidence is insufficient to determine the role of this variant in disease conclusively. Therefore, this variant is classified as a Variant of Uncertain Significance.

This study involves interpretation of variants in research participants for the purpose of population health screening. Participant phenotype was not available at the time of variant classification. Additional details can be found in publication PMID: 35346344, PMCID: PMC8962531

Labcorp Genetics (formerly Invitae), Labcorp
Classification: Uncertain significance for RYR1-related disorder. Last evaluated: 2021-08-31. Review status: criteria provided, single submitter. Criteria: Invitae Variant Classification Sherloc (09022015). Collection method: clinical testing. Allele origin: germline.
Comment: This sequence change replaces tyrosine with cysteine at codon 2849 of the RYR1 protein (p.Tyr2849Cys). The tyrosine residue is highly conserved and there is a large physicochemical difference between tyrosine and cysteine. This variant is not present in population databases (ExAC no frequency). This variant has not been reported in the literature in individuals affected with RYR1-related conditions. Algorithms developed to predict the effect of missense changes on protein structure and function are either unavailable or do not agree on the potential impact of this missense change (SIFT: "Deleterious"; PolyPhen-2: "Benign"; Align-GVGD: "Class C0"). In summary, the available evidence is currently insufficient to determine the role of this variant in disease. Therefore, it has been classified as a Variant of Uncertain Significance.

Illumina Laboratory Services, Illumina
Classification: Uncertain significance for Central core myopathy. Last evaluated: 2018-01-13. Review status: criteria provided, single submitter. Criteria: ICSL Variant Classification Criteria 13 December 2019. Collection method: clinical testing. Allele origin: germline.

Illumina Laboratory Services, Illumina
Classification: Uncertain significance for Congenital multicore myopathy with external ophthalmoplegia. Last evaluated: 2018-01-13. Review status: criteria provided, single submitter. Criteria: ICSL Variant Classification Criteria 13 December 2019. Collection method: clinical testing. Allele origin: germline.

Illumina Laboratory Services, Illumina
Classification: Uncertain significance for Malignant hyperthermia, susceptibility to, 1. Last evaluated: 2018-01-13. Review status: criteria provided, single submitter. Criteria: ICSL Variant Classification Criteria 13 December 2019. Collection method: clinical testing. Allele origin: germline.